The following is an entry in ClinVar:

NM_016932.5(SIX2):c.725C>T (p.Ser242Phe)

Gene: SIX2 (SIX homeobox 2; minus strand). Cytogenetic location: 2p21.
Variant type: single nucleotide variant.
Coding change: c.725C>T on transcript NM_016932.5 (MANE Select); coding-DNA position 725, C replaced by T.
Protein change: p.Ser242Phe; replaces serine 242 with phenylalanine.
Molecular consequence: missense variant.
Genome position (GRCh38, 1-based): chr2:45,006,321, G>A on the plus strand (C>T on the coding strand, the complement: SIX2 is on the minus strand). VCF-style: chr2-45006321-G-A. GRCh37 (hg19) VCF-style: chr2-45233460-G-A.
Other names: short protein forms S242F.
Identifiers: ClinVar variation 3772022 (VCV003772022.13).

ClinVar aggregate classification (germline): Uncertain significance (1 of 4 stars; one submission).

Submission:

CeGaT Center for Human Genetics Tuebingen
Classification: Uncertain significance. Last evaluated: 2024-12-01. Review status: criteria provided, single submitter. Criteria: CeGaT Center For Human Genetics Tuebingen Variant Classification Criteria Version 2. Collection method: clinical testing. Allele origin: germline. Affected: yes. Observed: 1 variant allele.
Comment: SIX2: PM2